The following is an entry in ClinVar:

NM_001040436.3(YARS2):c.1104-197G>A

Gene: YARS2 (tyrosyl-tRNA synthetase 2; minus strand). Cytogenetic location: 12p11.21.
Variant type: single nucleotide variant.
Coding change: c.1104-197G>A on transcript NM_001040436.3 (MANE Select); 197 bases into the intron before coding-DNA position 1104, G replaced by A.
Molecular consequence: intron variant.
Genome position (GRCh38, 1-based): chr12:32,750,304, C>T on the plus strand (G>A on the coding strand, the complement: YARS2 is on the minus strand). VCF-style: chr12-32750304-C-T. GRCh37 (hg19) VCF-style: chr12-32903238-C-T.
Identifiers: ClinVar variation 673280 (VCV000673280.1), dbSNP rs148832666, ClinGen allele CA235215502.
Genomic context (GRCh38, chr12:32,750,304, plus strand): 5'-CCGGCTGGATTGCAATGGCATGATCTCGGCTCACAGCAACCTCTGCCTCCCGGGTTCAGG[C>T]GATTCTCCTGCCTCAGCCTCCTGAGTAGCTGGGATTACAGACGTGTGCCACCACGCCCAG-3'

ClinVar aggregate classification (germline): Likely benign (1 of 4 stars; one submission).

Allele frequency attached by ClinVar (database versions not stated): gnomAD 0.01237; 1000 Genomes Project 0.01318; 1000 Genomes Project 30x 0.01327; TOPMed 0.01350.
gnomAD v4.1: 1,850 of 152,184 alleles (1.2%); highest among the groups gnomAD compares: African/African-American, 4.3%; 37 homozygotes.

Submission:

GeneDx
Classification: Likely benign. Last evaluated: 2018-06-14. Review status: criteria provided, single submitter. Criteria: GeneDx Variant Classification (06012015). Collection method: clinical testing. Allele origin: germline. Affected: yes.
Comment: This variant is considered likely benign or benign based on one or more of the following criteria: it is a conservative change, it occurs at a poorly conserved position in the protein, it is predicted to be benign by multiple in silico algorithms, and/or has population frequency not consistent with disease.